The following is an entry in ClinVar:

ClinVar aggregate classification (germline): Uncertain significance (1 of 4 stars; one submission).

Conditions:
Episodic ataxia type 2 (EA2). Also called: ACETAZOLAMIDE-RESPONSIVE HEREDITARY PAROXYSMAL CEREBELLAR ATAXIA; ATAXIA, EPISODIC, WITH NYSTAGMUS; ATAXIA, FAMILIAL PAROXYSMAL; CEREBELLAR ATAXIA, PAROXYSMAL, ACETAZOLAMIDE-RESPONSIVE; CEREBELLOPATHY, HEREDITARY PAROXYSMAL; EPISODIC ATAXIA, NYSTAGMUS-ASSOCIATED. Identifiers: Orphanet 97, MedGen C1720416, MONDO:0007163, OMIM 108500.
Developmental and epileptic encephalopathy, 42 (DEE42A). Also called: Epileptic encephalopathy, early infantile, 42; DEVELOPMENTAL AND EPILEPTIC ENCEPHALOPATHY 42A; EPILEPTIC ENCEPHALOPATHY, EARLY INFANTILE, 42A. Identifiers: MedGen C4310716, MONDO:0014917, OMIM 617106.

gnomAD v4.1: 3 of 1,583,986 alleles (0.00019%); highest among the groups gnomAD compares: Non-Finnish European, 0.00026%; no homozygotes.

Submission:

Labcorp Genetics (formerly Invitae), Labcorp
Classification: Uncertain significance for Developmental and epileptic encephalopathy, 42; Episodic ataxia type 2. Last evaluated: 2025-06-29. Review status: criteria provided, single submitter. Criteria: Invitae Variant Classification Sherloc (09022015). Collection method: clinical testing. Allele origin: germline.
Comment: This sequence change replaces arginine, which is basic and polar, with glutamine, which is neutral and polar, at codon 931 of the CACNA1A protein (p.Arg931Gln). The frequency data for this variant in the population databases is considered unreliable, as metrics indicate poor data quality at this position in the gnomAD database. This variant has not been reported in the literature in individuals affected with CACNA1A-related conditions. Invitae Evidence Modeling of protein sequence and biophysical properties (such as structural, functional, and spatial information, amino acid conservation, physicochemical variation, residue mobility, and thermodynamic stability) indicates that this missense variant is not expected to disrupt CACNA1A protein function with a negative predictive value of 95%. In summary, the available evidence is currently insufficient to determine the role of this variant in disease. Therefore, it has been classified as a Variant of Uncertain Significance.

NM_001127222.2(CACNA1A):c.2789G>A (p.Arg930Gln)

Gene: CACNA1A (calcium voltage-gated channel subunit alpha1 A; minus strand). Cytogenetic location: 19p13.13.
Variant type: single nucleotide variant.
Coding change: c.2789G>A on transcript NM_001127222.2 (MANE Select); coding-DNA position 2789, G replaced by A.
Protein change: p.Arg930Gln; replaces arginine 930 with glutamine.
Molecular consequence: missense variant.
Genome position (GRCh38, 1-based): chr19:13,298,844, C>T on the plus strand (G>A on the coding strand, the complement: CACNA1A is on the minus strand). VCF-style: chr19-13298844-C-T. GRCh37 (hg19) VCF-style: chr19-13409658-C-T.
Other names: c.2801G>A, p.Arg934Gln (NM_000068.4, NM_023035.3); c.2792G>A, p.Arg931Gln (NM_001127221.2, NM_001174080.2); short protein forms R931Q, R934Q, R930Q.
Identifiers: ClinVar variation 4792952 (VCV004792952.1).